The following is an entry in ClinVar:

ClinVar aggregate classification (germline): Uncertain significance. Review status: criteria provided, multiple submitters, no conflicts (2 of 4 stars). 2 submissions from 2 submitters: Uncertain significance (2). Last evaluated 2024-03-06.

Conditions:
Hereditary cancer-predisposing syndrome. Also called: Tumor predisposition; Neoplastic Syndromes, Hereditary; Hereditary Cancer Syndrome; Hereditary neoplastic syndrome. Identifiers: Orphanet 140162, MedGen C0027672, MeSH D009386, MONDO:0015356.
Ataxia-telangiectasia syndrome (AT). Also called: Ataxia-telangiectasia; Ataxia-telangiectasia, complementation group D; AT, COMPLEMENTATION GROUP C; LOUIS-BAR SYNDROME; Cerebello-oculocutaneous telangiectasia; Immunodeficiency with ataxia telangiectasia. Identifiers: Orphanet 100, MedGen C0004135, MONDO:0008840, OMIM 208900.

Submissions (2):

Color Diagnostics, LLC DBA Color Health
Classification: Uncertain significance for Hereditary cancer-predisposing syndrome. Last evaluated: 2024-03-06. Review status: criteria provided, single submitter. Criteria: ACMG Guidelines, 2015. Collection method: clinical testing. Allele origin: germline.
Comment: This missense variant replaces tyrosine with phenylalanine at codon 1696 of the ATM protein. Computational prediction suggests that this variant may not impact protein structure and function (internally defined REVEL score threshold <= 0.5, PMID: 27666373). To our knowledge, functional studies have not been reported for this variant. This variant has not been reported in individuals affected with hereditary cancer in the literature. This variant has not been identified in the general population by the Genome Aggregation Database (gnomAD). The available evidence is insufficient to determine the role of this variant in disease conclusively. Therefore, this variant is classified as a Variant of Uncertain Significance.

Illumina Laboratory Services, Illumina
Classification: Uncertain significance for Ataxia-telangiectasia syndrome. Last evaluated: 2018-01-13. Review status: criteria provided, single submitter. Criteria: ICSL Variant Classification Criteria 13 December 2019. Collection method: clinical testing. Allele origin: germline.

NM_000051.4(ATM):c.5087A>T (p.Tyr1696Phe)

Gene: ATM (ATM serine/threonine kinase; plus strand). Cytogenetic location: 11q22.3.
Variant type: single nucleotide variant.
Coding change: c.5087A>T on transcript NM_000051.4 (MANE Select); coding-DNA position 5087, A replaced by T.
Protein change: p.Tyr1696Phe; replaces tyrosine 1696 with phenylalanine.
Molecular consequence: missense variant.
Genome position (GRCh38, 1-based): chr11:108,299,795, A>T. VCF-style: chr11-108299795-A-T. GRCh37 (hg19) VCF-style: chr11-108170522-A-T.
Other names: c.5087A>T, p.Tyr1696Phe (NM_001351834.2); short protein forms Y1696F.
Identifiers: ClinVar variation 489554 (VCV000489554.9), dbSNP rs1555104673, ClinGen allele CA382540662.